The following is an entry in ClinVar:

ClinVar aggregate classification (germline): Uncertain significance (1 of 4 stars; one submission).

Conditions:
Hypertrophic cardiomyopathy 11. Also called: ACTC1-Related Familial Hypertrophic Cardiomyopathy. Identifiers: MedGen C2677506, MONDO:0012799, OMIM 612098.
Dilated cardiomyopathy 1R (CMD1R). Identifiers: Orphanet 154, Orphanet 54260, MedGen C3150681, MONDO:0013261, OMIM 613424.
Atrial septal defect 5 (ASD5). Identifiers: Orphanet 1478, MedGen C2748552, MONDO:0013011, OMIM 612794.

Submission:

Labcorp Genetics (formerly Invitae), Labcorp
Classification: Uncertain significance for Dilated cardiomyopathy 1R; Hypertrophic cardiomyopathy 11; Atrial septal defect 5. Last evaluated: 2025-10-01. Review status: criteria provided, single submitter. Criteria: Invitae Variant Classification Sherloc (09022015). Collection method: clinical testing. Allele origin: germline.
Comment: This sequence change creates a premature translational stop signal (p.Pro111Argfs*2) in the ACTC1 gene. It is expected to result in an absent or disrupted protein product. However, the current clinical and genetic evidence is not sufficient to establish whether loss-of-function variants in ACTC1 cause disease. This variant is not present in population databases (gnomAD no frequency). This variant has not been reported in the literature in individuals affected with ACTC1-related conditions. ClinVar contains an entry for this variant (Variation ID: 855035). In summary, the available evidence is currently insufficient to determine the role of this variant in disease. Therefore, it has been classified as a Variant of Uncertain Significance.

NM_005159.5(ACTC1):c.332del (p.Pro111fs)

Genes: GJD2-DT (GJD2 divergent transcript; plus strand), ACTC1 (actin alpha cardiac muscle 1; minus strand). Cytogenetic location: 15q14.
Variant type: Deletion.
Coding change: c.332del on transcript NM_005159.5 (MANE Select); coding-DNA position 332, one base deleted (C; older notation c.332delC).
Protein change: p.Pro111fs; shifts the reading frame from proline 111.
Molecular consequence: frameshift variant.
Genome position (GRCh38, 1-based): chr15:34,793,367, G deleted on the plus strand (C on the coding strand, the reverse complement: ACTC1 is on the minus strand); the first of 4 consecutive G bases (chr15:34,793,367-34,793,370); deleting any one gives the same sequence. VCF-style (leftmost placement, unchanged base first): chr15-34793366-CG-C. GRCh37 (hg19) VCF-style: chr15-35085567-CG-C.
Other names: short protein forms P111fs.
Identifiers: ClinVar variation 855035 (VCV000855035.7), dbSNP rs1891747102, ClinGen allele CA916081748.